The following is an entry in ClinVar:

ClinVar aggregate classification (germline): Uncertain significance (1 of 4 stars; one submission).

Allele frequency attached by ClinVar (database versions not stated): TOPMed below 0.00001.

Submission:

GeneDx
Classification: Uncertain significance. Last evaluated: 2019-10-10. Review status: criteria provided, single submitter. Criteria: GeneDx Variant Classification Process June 2021. Collection method: clinical testing. Allele origin: germline. Affected: yes.
Comment: Not observed in large population cohorts (Lek et al., 2016); In silico analysis, which includes protein predictors and evolutionary conservation, supports that this variant does not alter protein structure/function; Has not been previously published as pathogenic or benign to our knowledge

NM_006158.5(NEFL):c.1579G>A (p.Glu527Lys)

Gene: NEFL (neurofilament light chain; minus strand). Cytogenetic location: 8p21.2.
Variant type: single nucleotide variant.
Coding change: c.1579G>A on transcript NM_006158.5 (MANE Select); coding-DNA position 1579, G replaced by A.
Protein change: p.Glu527Lys; replaces glutamic acid 527 with lysine.
Molecular consequence: missense variant.
Genome position (GRCh38, 1-based): chr8:24,952,863, C>T on the plus strand (G>A on the coding strand, the complement: NEFL is on the minus strand). VCF-style: chr8-24952863-C-T. GRCh37 (hg19) VCF-style: chr8-24810376-C-T.
Other names: short protein forms E527K.
Identifiers: ClinVar variation 1309107 (VCV001309107.2), dbSNP rs1802988556, ClinGen allele CA370619592.